The following is an entry in ClinVar:

NM_152564.5(VPS13B):c.2828del (p.Ala943fs)

Gene: VPS13B (vacuolar protein sorting 13 homolog B; plus strand). Cytogenetic location: 8q22.2.
Variant type: Deletion.
Coding change: c.2828del on transcript NM_152564.5 (MANE Select); coding-DNA position 2828, one base deleted (C; older notation c.2828delC).
Protein change: p.Ala943fs; shifts the reading frame from alanine 943.
Molecular consequence: frameshift variant.
Genome position (GRCh38, 1-based): chr8:99,384,211, C deleted. VCF-style (leftmost placement, unchanged base first): chr8-99384210-GC-G. GRCh37 (hg19) VCF-style: chr8-100396438-GC-G.
Other names: c.2828del, p.Ala943fs (NM_017890.5); c.2828delC (NM_017890.4); short protein forms A943fs.
Identifiers: ClinVar variation 554355 (VCV000554355.3), dbSNP rs1554765140, ClinGen allele CA658822471.

ClinVar aggregate classification (germline): Likely pathogenic. Review status: criteria provided, single submitter (1 of 4 stars). 2 submissions from 2 submitters: Likely pathogenic (1). 1 of the submissions does not count toward it. Last evaluated 2019-01-01.

Conditions:
Cohen syndrome (COH1). Also called: Cutis verticis gyrata, retinitis pigmentosa, and sensorineural deafness; PEPPER SYNDROME. Identifiers: Orphanet 193, MedGen C0265223, MONDO:0008999, OMIM 216550.

Submissions (2):

Institute of Human Genetics, University of Leipzig Medical Center
Classification: Likely pathogenic for Cohen syndrome. Last evaluated: 2019-01-01. Review status: criteria provided, single submitter. Criteria: ACMG Guidelines, 2015. Collection method: clinical testing. Allele origin: unknown. Affected: yes.
Comment: This variant was identified as compound heterozygous.

Counsyl
Classification: Likely pathogenic for Cohen syndrome. Last evaluated: 2017-10-16. Review status: no assertion criteria provided. Collection method: clinical testing. Allele origin: unknown. Not counted in ClinVar's aggregate classification.